The following is an entry in ClinVar:

ClinVar aggregate classification (germline): Conflicting classifications of pathogenicity. Review status: criteria provided, conflicting classifications (1 of 4 stars). 4 submissions from 4 submitters: Uncertain significance (3); Likely benign (1). Last evaluated 2025-11-01.

Conditions:
Paget disease of bone 2, early-onset (PDB2). Also called: Paget disease of bone 2. Identifiers: MedGen C4085251, MONDO:0011183, OMIM 602080.
Frontotemporal dementia and/or amyotrophic lateral sclerosis 1 (FTDALS1). Also called: Frontotemporal dementia with motor neuron disease 1; C9orf72 Frontotemporal Dementia and/or Amyotrophic Lateral Sclerosis. Identifiers: Orphanet 275872, MedGen C5779877, MONDO:0007105, OMIM 105550.
SQSTM1-related disorder. Also called: SQSTM1-Related Disorders.
Inborn genetic diseases. Identifiers: MedGen C0950123, MeSH D030342.

Allele frequency attached by ClinVar (database versions not stated): 1000 Genomes Project below 0.00001; gnomAD exomes 0.00007; ExAC 0.00008; TOPMed 0.00018; gnomAD 0.00020 and 0.00021.
gnomAD v4.1: 63 of 1,614,146 alleles (0.0039%); highest among the groups gnomAD compares: African/African-American, 0.056%; 1 homozygote.

Submissions (4):

Labcorp Genetics (formerly Invitae), Labcorp
Classification: Likely benign for Paget disease of bone 2, early-onset; Frontotemporal dementia and/or amyotrophic lateral sclerosis 1. Last evaluated: 2025-11-01. Review status: criteria provided, single submitter. Criteria: Invitae Variant Classification Sherloc (09022015). Collection method: clinical testing. Allele origin: germline.

Ambry Genetics
Classification: Uncertain significance for Inborn genetic diseases. Last evaluated: 2025-08-14. Review status: criteria provided, single submitter. Criteria: Ambry Variant Classification Scheme 2023. Collection method: clinical testing. Allele origin: germline.

PreventionGenetics, part of Exact Sciences
Classification: Uncertain significance for SQSTM1-related condition. Last evaluated: 2025-04-03. Review status: criteria provided, single submitter. Criteria: ACMG Guidelines, 2015. Collection method: clinical testing. Allele origin: germline.
Comment: The SQSTM1 c.1201A>C variant is predicted to result in the amino acid substitution p.Met401Leu. To our knowledge, this variant has not been reported in the literature. This variant is reported in 0.084% of alleles in individuals of African descent in gnomAD, including one homozygous individual. An alternate nucleotide change affecting the same amino acid (c.1201A>G, p.Met401Val) has been reported in an individual with Paget disease of bone (Gennari et al. 2010. PubMed ID: 20200946). Although we suspect that this variant may be benign, at this time, the clinical significance of this variant is uncertain due to the absence of conclusive functional and genetic evidence.

Dasa
Classification: Uncertain significance. Last evaluated: 2025-03-03. Review status: criteria provided, single submitter. Criteria: DASA Assertion Criteria. Collection method: clinical testing. Allele origin: germline.
Comment: NM_003900.5(SQSTM1):c.1201A>C (p.Met401Leu) is a missense variant that results in the substitution of methionine with leucine. This variant is rare in population databases. Computational prediction algorithms are consistent with a deleterious effect. The currently available literature and clinical evidence are not sufficient to establish a definitive association between this variant and the reported condition. Therefore, this variant is classified as a variant of uncertain significance.

NM_003900.5(SQSTM1):c.1201A>C (p.Met401Leu)

Gene: SQSTM1 (sequestosome 1; plus strand). Cytogenetic location: 5q35.3.
Variant type: single nucleotide variant.
Coding change: c.1201A>C on transcript NM_003900.5 (MANE Select); coding-DNA position 1201, A replaced by C.
Protein change: p.Met401Leu; replaces methionine 401 with leucine.
Molecular consequence: missense variant.
Genome position (GRCh38, 1-based): chr5:179,836,471, A>C. VCF-style: chr5-179836471-A-C. GRCh37 (hg19) VCF-style: chr5-179263471-A-C.
Other names: c.949A>C, p.Met317Leu (NM_001142298.2, NM_001142299.2); short protein forms M317L, M401L.
Identifiers: ClinVar variation 772831 (VCV000772831.15), dbSNP rs201795943, ClinGen allele CA3600858.